The following is an entry in ClinVar:

NM_000210.4(ITGA6):c.2679+4T>G

Genes: ITGA6 (integrin subunit alpha 6; plus strand), PDK1-AS1 (PDK1 and ITGA6 antisense RNA 1; minus strand). Cytogenetic location: 2q31.1.
Variant type: single nucleotide variant.
Coding change: c.2679+4T>G on transcript NM_000210.4 (MANE Select); 4 bases into the intron after coding-DNA position 2679, T replaced by G.
Molecular consequence: intron variant.
Genome position (GRCh38, 1-based): chr2:172,489,662, T>G. VCF-style: chr2-172489662-T-G. GRCh37 (hg19) VCF-style: chr2-173354390-T-G.
Other names: c.2322+4T>G (NM_001316306.2); c.2796+4T>G (NM_001394928.1); c.2679+4T>G (NM_001079818.3); c.2634+49T>G (NM_001365530.2, NM_001365529.2).
Identifiers: ClinVar variation 3352378 (VCV003352378.1).

ClinVar aggregate classification (germline): Likely benign (0 of 4 stars; one submission).

Conditions:
ITGA6-related disorder. Also called: ITGA6-related condition.

Submission:

PreventionGenetics, part of Exact Sciences
Classification: Likely benign for ITGA6-related condition. Last evaluated: 2024-08-10. Review status: no assertion criteria provided. Collection method: clinical testing. Allele origin: germline.
Comment: This variant is classified as likely benign based on ACMG/AMP sequence variant interpretation guidelines (Richards et al. 2015 PMID: 25741868, with internal and published modifications).